The following is an entry in ClinVar:

NM_000540.3(RYR1):c.14647-3C>G

Gene: RYR1 (ryanodine receptor 1; plus strand). Cytogenetic location: 19q13.2.
Variant type: single nucleotide variant.
Coding change: c.14647-3C>G on transcript NM_000540.3 (MANE Select); 3 bases into the intron before coding-DNA position 14647, C replaced by G.
Molecular consequence: intron variant.
Genome position (GRCh38, 1-based): chr19:38,584,940, C>G. VCF-style: chr19-38584940-C-G. GRCh37 (hg19) VCF-style: chr19-39075580-C-G.
Other names: c.14632-3C>G (NM_001042723.2).
Identifiers: ClinVar variation 986380 (VCV000986380.2), dbSNP rs1974401494, ClinGen allele CA915940775.

ClinVar aggregate classification (germline): Uncertain significance (1 of 4 stars; one submission).

Conditions:
Central core myopathy (CMYO1A). Also called: CONGENITAL MYOPATHY 1A, AUTOSOMAL DOMINANT, WITH SUSCEPTIBILITY TO MALIGNANT HYPERTHERMIA; Central core disease; Myopathy, central fibrillar. Identifiers: Orphanet 597, MedGen C5830701, MONDO:0007294, OMIM 117000.

Submission:

Broad Center for Mendelian Genomics, Broad Institute of MIT and Harvard
Classification: Uncertain significance for Central core myopathy. Last evaluated: 2023-05-02. Review status: criteria provided, single submitter. Criteria: ACMG Guidelines, 2015. Collection method: curation. Allele origin: germline. Inheritance: Autosomal recessive inheritance.
Comment: The variant has not been previously reported in individuals with central core myopathy and was absent from large population studies. Computational prediction tools and conservation analyses suggest that this variant may impact the protein, though this information is not predictive enough to determine pathogenicity. The presence of this variant in combination with a reported likely pathogenic variant increases the likelihood that the variant is pathogenic (Variation ID: 65984). In summary, while there is some suspicion for a pathogenic role, the clinical significance of this variant is uncertain. ACMG/AMP Criteria applied: PM2, PP3, PM3 (Richards 2015).